The following is an entry in ClinVar:

NM_005120.3(MED12):c.1889G>A (p.Gly630Asp)

Gene: MED12 (mediator complex subunit 12; plus strand). Cytogenetic location: Xq13.1.
Variant type: single nucleotide variant.
Coding change: c.1889G>A on transcript NM_005120.3 (MANE Select); coding-DNA position 1889, G replaced by A.
Protein change: p.Gly630Asp; replaces glycine 630 with aspartic acid.
Molecular consequence: missense variant.
Genome position (GRCh38, 1-based): chrX:71,124,303, G>A. VCF-style: chrX-71124303-G-A. GRCh37 (hg19) VCF-style: chrX-70344153-G-A.
Other names: short protein forms G630D.
Identifiers: ClinVar variation 5008238 (VCV005008238.1).

ClinVar aggregate classification (germline): Uncertain significance (1 of 4 stars; one submission).

Submission:

GeneDx
Classification: Uncertain significance. Last evaluated: 2026-03-02. Review status: criteria provided, single submitter. Criteria: GeneDx Variant Classification Process June 2021. Collection method: clinical testing. Allele origin: germline.
Comment: Not observed at significant frequency in large population cohorts (gnomAD); In silico analysis suggests that this missense variant does not alter protein structure/function; Has not been previously published as pathogenic or benign to our knowledge